The following is an entry in ClinVar:

ClinVar aggregate classification (germline): Pathogenic (1 of 4 stars; one submission).

Submission:

Labcorp Genetics (formerly Invitae), Labcorp
Classification: Pathogenic. Last evaluated: 2023-10-06. Review status: criteria provided, single submitter. Criteria: Invitae Variant Classification Sherloc (09022015). Collection method: clinical testing. Allele origin: germline.
Comment: This sequence change creates a premature translational stop signal (p.Glu1574Glyfs*23) in the ABCA4 gene. It is expected to result in an absent or disrupted protein product. Loss-of-function variants in ABCA4 are known to be pathogenic (PMID: 10958761, 24938718, 25312043, 26780318). This variant is not present in population databases (gnomAD no frequency). This variant has not been reported in the literature in individuals affected with ABCA4-related conditions. For these reasons, this variant has been classified as Pathogenic.

Literature cited by the submitters: PubMed 10958761; PubMed 24938718; PubMed 25312043; PubMed 26780318.

NM_000350.3(ABCA4):c.4720dup (p.Glu1574fs)

Genes: ABCA4 (ATP binding cassette subfamily A member 4; minus strand), LOC126805793 (CDK7 strongly-dependent group 2 enhancer GRCh37_chr1:94486302-94487501; plus strand). Cytogenetic location: 1p22.1.
Variant type: Duplication.
Coding change: c.4720dup on transcript NM_000350.3 (MANE Select); coding-DNA position 4720, one base duplicated (G; older notation c.4720dupG).
Protein change: p.Glu1574fs; shifts the reading frame from glutamic acid 1574.
Molecular consequence: frameshift variant.
Genome position (GRCh38, 1-based): chr1:94,021,899, C duplicated on the plus strand (G on the coding strand, the reverse complement: ABCA4 is on the minus strand); the first of 5 consecutive C bases (chr1:94,021,899-94,021,903); duplicating any one gives the same sequence. VCF-style (leftmost placement, unchanged base first): chr1-94021898-T-TC. GRCh37 (hg19) VCF-style: chr1-94487454-T-TC.
Other names: c.4494dup, p.Glu1500Glyfs (NM_001425324.1); short protein forms E1574fs.
Identifiers: ClinVar variation 2766538 (VCV002766538.3), dbSNP rs1557768952, ClinGen allele CA2646647833.